The following is an entry in ClinVar:

NM_015559.3(SETBP1):c.1202G>A (p.Arg401Gln)

Gene: SETBP1 (SET binding protein 1; plus strand). Cytogenetic location: 18q12.3.
Variant type: single nucleotide variant.
Coding change: c.1202G>A on transcript NM_015559.3 (MANE Select); coding-DNA position 1202, G replaced by A.
Protein change: p.Arg401Gln; replaces arginine 401 with glutamine.
Molecular consequence: missense variant.
Genome position (GRCh38, 1-based): chr18:44,950,542, G>A. VCF-style: chr18-44950542-G-A. GRCh37 (hg19) VCF-style: chr18-42530507-G-A.
Other names: c.1202G>A, p.Arg401Gln (NM_001379141.1, NM_001379142.1); c.1202G>A (NM_015559.2); short protein forms R401Q.
Identifiers: ClinVar variation 1050513 (VCV001050513.11), dbSNP rs144407969, ClinGen allele CA8945576.

ClinVar aggregate classification (germline): Benign/Likely benign. Review status: criteria provided, multiple submitters, no conflicts (2 of 4 stars). 4 submissions from 4 submitters: Benign (1); Likely benign (2). 1 of the submissions does not count toward it. Last evaluated 2025-11-18.

Conditions:
Inborn genetic diseases. Identifiers: MedGen C0950123, MeSH D030342.

Allele frequency attached by ClinVar (database versions not stated): TOPMed 0.00003; gnomAD 0.00005; gnomAD exomes 0.00008 and 0.00009; ExAC 0.00010; ESP Exome Variant Server 0.00023.
gnomAD v4.1: 137 of 1,613,858 alleles (0.0085%); highest among the groups gnomAD compares: South Asian, 0.019%; no homozygotes.

Submissions (4):

Labcorp Genetics (formerly Invitae), Labcorp
Classification: Benign. Last evaluated: 2025-11-18. Review status: criteria provided, single submitter. Criteria: Invitae Variant Classification Sherloc (09022015). Collection method: clinical testing. Allele origin: germline.

Ambry Genetics
Classification: Likely benign for Inborn genetic diseases. Last evaluated: 2025-07-24. Review status: criteria provided, single submitter. Criteria: Ambry Variant Classification Scheme 2023. Collection method: clinical testing. Allele origin: germline.

Blueprint Genetics
Classification: Likely benign. Last evaluated: 2021-09-27. Review status: criteria provided, single submitter. Criteria: ACMG Guidelines, 2015. Collection method: clinical testing. Allele origin: germline.

Department of Pathology and Laboratory Medicine, Sinai Health System
Classification: Uncertain significance. Review status: no assertion criteria provided. Collection method: clinical testing. Allele origin: unknown. Affected: yes. Study: The Canadian Open Genetics Repository (COGR). Not counted in ClinVar's aggregate classification.
Comment: The SETBP1 p.Arg401Gln variant was not identified in the literature nor was it identified in ClinVar. The variant was identified in dbSNP (ID: rs144407969) and in control databases in 21 of 267088 chromosomes at a frequency of 0.00007863 (Genome Aggregation Database March 6, 2019, v2.1.1, non-cancer). The variant was observed in the following populations: South Asian in 6 of 30490 chromosomes (freq: 0.000197), Other in 1 of 6668 chromosomes (freq: 0.00015), African in 2 of 23520 chromosomes (freq: 0.000085), European (non-Finnish) in 9 of 117192 chromosomes (freq: 0.000077), Latino in 2 of 35064 chromosomes (freq: 0.000057) and European (Finnish) in 1 of 25098 chromosomes (freq: 0.00004), but was not observed in the Ashkenazi Jewish or East Asian populations. The p.Arg401 residue is conserved in mammals and computational analyses (PolyPhen-2, SIFT, AlignGVGD, BLOSUM, MutationTaster) suggest that the variant may impact the protein; however this information is not predictive enough to assume pathogenicity. The variant occurs outside of the splicing consensus sequence and in silico or computational prediction software programs (SpliceSiteFinder, MaxEntScan, NNSPLICE, GeneSplicer) do not predict a difference in splicing. In summary, based on the above information the clinical significance of this variant cannot be determined with certainty at this time. This variant is classified as a variant of uncertain significance.